The following is an entry in ClinVar:

ClinVar aggregate classification (germline): Uncertain significance (1 of 4 stars; one submission).

gnomAD v4.1: 1 of 1,584,198 alleles (0.000063%); highest among the groups gnomAD compares: Non-Finnish European, 0.000086%; no homozygotes.

Submission:

GeneDx
Classification: Uncertain significance. Last evaluated: 2025-10-07. Review status: criteria provided, single submitter. Criteria: GeneDx Variant Classification Process June 2021. Collection method: clinical testing. Allele origin: germline.
Comment: Not observed at significant frequency in large population cohorts (gnomAD); In silico analysis supports that this missense variant does not alter protein structure/function; Has not been previously published as pathogenic or benign to our knowledge

NM_019066.5(MAGEL2):c.2101G>A (p.Val701Ile)

Gene: MAGEL2 (MAGE family member L2; minus strand). Cytogenetic location: 15q11.2.
Variant type: single nucleotide variant.
Coding change: c.2101G>A on transcript NM_019066.5 (MANE Select); coding-DNA position 2101, G replaced by A.
Protein change: p.Val701Ile; replaces valine 701 with isoleucine.
Molecular consequence: missense variant.
Genome position (GRCh38, 1-based): chr15:23,645,642, C>T on the plus strand (G>A on the coding strand, the complement: MAGEL2 is on the minus strand). VCF-style: chr15-23645642-C-T. GRCh37 (hg19) VCF-style: chr15-23890789-C-T.
Other names: short protein forms V701I.
Identifiers: ClinVar variation 3343916 (VCV003343916.2).